The following is an entry in ClinVar:

ClinVar aggregate classification (germline): Uncertain significance (1 of 4 stars; one submission).

Conditions:
Congenital contractural arachnodactyly (CCA). Also called: BEALS SYNDROME; Beals-Hecht syndrome; Arthrogryposis, distal, type 9. Identifiers: Orphanet 115, MedGen C0220668, MONDO:0007363, OMIM 121050.

Allele frequency attached by ClinVar (database versions not stated): gnomAD exomes below 0.00001.

Submission:

Labcorp Genetics (formerly Invitae), Labcorp
Classification: Uncertain significance for Congenital contractural arachnodactyly. Last evaluated: 2020-03-09. Review status: criteria provided, single submitter. Criteria: Invitae Variant Classification Sherloc (09022015). Collection method: clinical testing. Allele origin: germline.
Comment: This sequence change affects an acceptor splice site in intron 17 of the FBN2 gene. It is expected to disrupt RNA splicing and likely results in an absent or disrupted protein product. This variant is not present in population databases (ExAC no frequency). This variant has not been reported in the literature in individuals with FBN2-related conditions. Algorithms developed to predict the effect of sequence changes on RNA splicing suggest that this variant may disrupt the consensus splice site, but this prediction has not been confirmed by published transcriptional studies. The current clinical and genetic evidence is not sufficient to establish whether loss-of-function variants in FBN2 cause disease. In summary, the available evidence is currently insufficient to determine the role of this variant in disease. Therefore, it has been classified as a Variant of Uncertain Significance.

NM_001999.4(FBN2):c.2303-2A>G

Gene: FBN2 (fibrillin 2; minus strand). Cytogenetic location: 5q23.3.
Variant type: single nucleotide variant.
Coding change: c.2303-2A>G on transcript NM_001999.4 (MANE Select); the canonical splice acceptor site of the intron before coding-DNA position 2303, A replaced by G.
Molecular consequence: splice acceptor variant.
Genome position (GRCh38, 1-based): chr5:128,364,727, T>C on the plus strand (A>G on the coding strand, the complement: FBN2 is on the minus strand). VCF-style: chr5-128364727-T-C. GRCh37 (hg19) VCF-style: chr5-127700420-T-C.
Identifiers: ClinVar variation 852069 (VCV000852069.12), dbSNP rs1751723379, ClinGen allele CA360768485.
Genomic context (GRCh38, chr5:128,364,727, plus strand): 5'-TAAGTTTTCACAAATCCCATTGGCACATATATCAGGATCCAAAGCACATTCATTGATATC[T>C]GCATTAAATATTGAAAGTTTAGTGCTATCAACAAACATGTTATTGTTTGTTGATAAATGC-3'